The following is an entry in ClinVar:

NM_016169.4(SUFU):c.1277C>T (p.Ala426Val)

Gene: SUFU (SUFU negative regulator of hedgehog signaling; plus strand). Cytogenetic location: 10q24.32.
Variant type: single nucleotide variant.
Coding change: c.1277C>T on transcript NM_016169.4 (MANE Select); coding-DNA position 1277, C replaced by T.
Protein change: p.Ala426Val; replaces alanine 426 with valine.
Molecular consequence: missense variant.
Genome position (GRCh38, 1-based): chr10:102,617,409, C>T. VCF-style: chr10-102617409-C-T. GRCh37 (hg19) VCF-style: chr10-104377166-C-T.
Other names: c.1277C>T, p.Ala426Val (NM_001178133.2); short protein forms A426V.
Identifiers: ClinVar variation 1354698 (VCV001354698.6), dbSNP rs772895878, ClinGen allele CA5667914.

ClinVar aggregate classification (germline): Uncertain significance (1 of 4 stars; one submission).

Conditions:
Medulloblastoma (MDB). Also called: MEDULLOBLASTOMA PREDISPOSITION SYNDROME; Medulloblastoma, somatic. Identifiers: Orphanet 616, MedGen C0025149, MeSH D008527, MONDO:0007959, OMIM 155255, HP:0002885.
Gorlin syndrome. Also called: Basal cell nevus syndrome; Nevoid Basal Cell Carcinoma Syndrome. Identifiers: Orphanet 377, MedGen C0004779, MONDO:0007187.

Allele frequency attached by ClinVar (database versions not stated): gnomAD exomes below 0.00001; ExAC 0.00001.
gnomAD v4.1: 1 of 1,614,246 alleles (0.000062%); no homozygotes.

Submission:

Labcorp Genetics (formerly Invitae), Labcorp
Classification: Uncertain significance for Gorlin syndrome; Medulloblastoma. Last evaluated: 2021-08-26. Review status: criteria provided, single submitter. Criteria: Invitae Variant Classification Sherloc (09022015). Collection method: clinical testing. Allele origin: germline.
Comment: In summary, the available evidence is currently insufficient to determine the role of this variant in disease. Therefore, it has been classified as a Variant of Uncertain Significance. Algorithms developed to predict the effect of missense changes on protein structure and function are either unavailable or do not agree on the potential impact of this missense change (SIFT: "Tolerated"; PolyPhen-2: "Possibly Damaging"; Align-GVGD: "Class C0"). This variant has not been reported in the literature in individuals affected with SUFU-related conditions. This variant is present in population databases (rs772895878, ExAC 0.02%). This sequence change replaces alanine with valine at codon 426 of the SUFU protein (p.Ala426Val). The alanine residue is highly conserved and there is a small physicochemical difference between alanine and valine.